The following is an entry in ClinVar:

ClinVar aggregate classification (germline): Likely benign. Review status: criteria provided, single submitter (1 of 4 stars). 2 submissions from 2 submitters: Likely benign (1). 1 of the submissions does not count toward it. Last evaluated 2023-03-03.

Conditions:
EPCAM-related disorder. Also called: EPCAM-related condition.
Hereditary cancer-predisposing syndrome. Also called: Neoplastic Syndromes, Hereditary; Tumor predisposition; Hereditary neoplastic syndrome; Hereditary Cancer Syndrome. Identifiers: Orphanet 140162, MedGen C0027672, MeSH D009386, MONDO:0015356.

Allele frequency attached by ClinVar (database versions not stated): TOPMed below 0.00001; gnomAD 0.00001; gnomAD exomes 0.00001; ExAC 0.00002.
gnomAD v4.1: 5 of 1,612,422 alleles (0.00031%); highest among the groups gnomAD compares: East Asian, 0.0089%; no homozygotes.

Submissions (2):

Ambry Genetics
Classification: Likely benign for Hereditary cancer-predisposing syndrome. Last evaluated: 2023-03-03. Review status: criteria provided, single submitter. Criteria: Ambry Variant Classification Scheme 2023. Collection method: clinical testing. Allele origin: germline.

PreventionGenetics, part of Exact Sciences
Classification: Likely benign for EPCAM-related condition. Last evaluated: 2020-12-22. Review status: no assertion criteria provided. Collection method: clinical testing. Allele origin: germline. Not counted in ClinVar's aggregate classification.
Comment: This variant is classified as likely benign based on ACMG/AMP sequence variant interpretation guidelines (Richards et al. 2015 PMID: 25741868, with internal and published modifications).

NM_002354.3(EPCAM):c.894G>A (p.Glu298=)

Gene: EPCAM (epithelial cell adhesion molecule; plus strand). Cytogenetic location: 2p21.
Variant type: single nucleotide variant.
Coding change: c.894G>A on transcript NM_002354.3 (MANE Select); coding-DNA position 894, G replaced by A.
Protein change: p.Glu298=; no amino-acid change (glutamic acid 298 retained).
Molecular consequence: synonymous variant.
Genome position (GRCh38, 1-based): chr2:47,385,201, G>A. VCF-style: chr2-47385201-G-A. GRCh37 (hg19) VCF-style: chr2-47612340-G-A.
Identifiers: ClinVar variation 3047081 (VCV003047081.3), dbSNP rs763928496, ClinGen allele CA1649199.